The following is an entry in ClinVar:

NM_001159699.2(FHL1):c.393_394dup (p.Glu132fs)

Gene: FHL1 (four and a half LIM domains 1; plus strand). Cytogenetic location: Xq26.3.
Variant type: Duplication.
Coding change: c.393_394dup on transcript NM_001159699.2 (MANE Select); coding-DNA positions 393 to 394, 2 bases duplicated (GG; older notation c.393_394dupGG).
Protein change: p.Glu132fs; shifts the reading frame from glutamic acid 132.
Molecular consequence: frameshift variant. On other transcripts: non-coding transcript variant (1).
Genome position (GRCh38, 1-based): chrX:136,207,805-136,207,806, GG duplicated. VCF-style (leftmost placement, unchanged base first): chrX-136207804-T-TGG. GRCh37 (hg19) VCF-style: chrX-135289963-T-TGG.
Other names: c.345_346dup, p.Glu116fs (NM_001159700.2, NM_001159702.3, NM_001159703.2 and 9 more transcripts); c.432_433dup, p.Glu145fs (NM_001159701.2); c.393_394dup, p.Glu132fs (NM_001330659.2); short protein forms E132fs, E116fs, E145fs.
Identifiers: ClinVar variation 1994255 (VCV001994255.4), dbSNP rs2521282912, ClinGen allele CA2580101567.

ClinVar aggregate classification (germline): Pathogenic (1 of 4 stars; one submission).

Conditions:
X-linked myopathy with postural muscle atrophy. Also called: FHL1-Related Emery-Dreifuss Muscular Dystrophy, X-Linked. Identifiers: Orphanet 178461, MedGen C2678055, MONDO:0010401, OMIM 300696.

Submission:

Labcorp Genetics (formerly Invitae), Labcorp
Classification: Pathogenic for X-linked myopathy with postural muscle atrophy. Last evaluated: 2022-11-07. Review status: criteria provided, single submitter. Criteria: Invitae Variant Classification Sherloc (09022015). Collection method: clinical testing. Allele origin: germline.
Comment: This variant is not present in population databases (gnomAD no frequency). This variant has not been reported in the literature in individuals affected with FHL1-related conditions. For these reasons, this variant has been classified as Pathogenic. This sequence change creates a premature translational stop signal (p.Glu116Glyfs*37) in the FHL1 gene. It is expected to result in an absent or disrupted protein product. Loss-of-function variants in FHL1 are known to be pathogenic (PMID: 18179888, 19687455, 19716112, 22523091, 24114807).

Literature cited by the submitters: PubMed 18179888; PubMed 19687455; PubMed 19716112; PubMed 22523091; PubMed 24114807.